The following is an entry in ClinVar:

ClinVar aggregate classification (germline): Likely benign (1 of 4 stars; one submission).

Submission:

Women's Health and Genetics/Laboratory Corporation of America, LabCorp
Classification: Likely benign. Last evaluated: 2020-03-30. Review status: criteria provided, single submitter. Criteria: LabCorp Variant Classification Summary - May 2015. Collection method: clinical testing. Allele origin: germline.
Comment: Variant summary: SOS2 c.2786-17_2786-16insCT alters a nucleotide located close to a canonical splice site. This region is a low complexity region with poly Ts. 4/4 computational tools predict no significant impact on normal splicing. However, these predictions have yet to be confirmed by functional studies. The variant was absent in 69212 control chromosomes. To our knowledge, no occurrence of c.2786-17_2786-16insCT in individuals affected with Noonan Syndrome and Related Conditions and no experimental evidence demonstrating its impact on protein function have been reported. No clinical diagnostic laboratories have submitted clinical-significance assessments for this variant to ClinVar after 2014. Based on the evidence outlined above, the variant was classified as likely benign.

NM_006939.4(SOS2):c.2786-17_2786-16insTC

Gene: SOS2 (SOS Ras/Rho guanine nucleotide exchange factor 2; minus strand). Cytogenetic location: 14q21.3.
Variant type: Insertion.
Coding change: c.2786-17_2786-16insTC on transcript NM_006939.4 (MANE Select); 17 bases into the intron before coding-DNA position 2786 through 16 bases into the intron before coding-DNA position 2786, TC inserted.
Molecular consequence: intron variant.
Genome position: GRCh38 VCF-style: chr14-50138800-A-AAG. GRCh37 (hg19) VCF-style: chr14-50605518-A-AAG.
Identifiers: ClinVar variation 918119 (VCV000918119.1), dbSNP rs1884170083, ClinGen allele CA1139663477.